The following is an entry in ClinVar:

ClinVar aggregate classification (germline): Uncertain significance (1 of 4 stars; one submission).

Submission:

CeGaT Center for Human Genetics Tuebingen
Classification: Uncertain significance. Last evaluated: 2026-08-01. Review status: criteria provided, single submitter. Criteria: CeGaT Center For Human Genetics Tuebingen Variant Classification Criteria Version 2. Collection method: clinical testing. Allele origin: germline. Affected: yes. Observed: 1 variant allele.
Comment: TAB2: PM2, BP4

NM_001292034.3(TAB2):c.1532T>C (p.Leu511Ser)

Genes: TAB2 (TGF-beta activated kinase 1 (MAP3K7) binding protein 2; plus strand), LOC126859827 (BRD4-independent group 4 enhancer GRCh37_chr6:149699707-149700906; plus strand). Cytogenetic location: 6q25.1.
Variant type: single nucleotide variant.
Coding change: c.1532T>C on transcript NM_001292034.3 (MANE Select); coding-DNA position 1532, T replaced by C.
Protein change: p.Leu511Ser; replaces leucine 511 with serine.
Molecular consequence: missense variant.
Genome position (GRCh38, 1-based): chr6:149,379,447, T>C. VCF-style: chr6-149379447-T-C. GRCh37 (hg19) VCF-style: chr6-149700583-T-C.
Other names: c.1436T>C, p.Leu479Ser (NM_001292035.3); c.1532T>C, p.Leu511Ser (NM_001369506.1, NM_015093.6); short protein forms L479S, L511S.
Identifiers: ClinVar variation 5040646 (VCV005040646.1).
Genomic context (GRCh38, chr6:149,379,447, plus strand): 5'-TTAATCATCCTGATCATTATGTAGAAACCGAGAATATTCAGCACCTCACGGACCCTACAT[T>C]AGCACATGTGGATAGAATAAGTGAAACACGGAAACTGAGTATGGGATCTGATGATGCTGC-3'
Protein context (NP_001278963.1, residues 501-521): ENIQHLTDPT[Leu511Ser]AHVDRISETR